The following is an entry in ClinVar:

NM_001365951.3(KIF1B):c.2585T>G (p.Met862Arg)

Gene: KIF1B (kinesin family member 1B; plus strand). Cytogenetic location: 1p36.22.
Variant type: single nucleotide variant.
Coding change: c.2585T>G on transcript NM_001365951.3 (MANE Select); coding-DNA position 2585, T replaced by G.
Protein change: p.Met862Arg; replaces methionine 862 with arginine.
Molecular consequence: missense variant.
Genome position (GRCh38, 1-based): chr1:10,324,805, T>G. VCF-style: chr1-10324805-T-G. GRCh37 (hg19) VCF-style: chr1-10384863-T-G.
Other names: c.2585T>G, p.Met862Arg (NM_001365952.1); c.2447T>G, p.Met816Arg (NM_015074.3); short protein forms M862R, M816R.
Identifiers: ClinVar variation 5023220 (VCV005023220.1).
Genomic context (GRCh38, chr1:10,324,805, plus strand): 5'-GTTTACTAAATAGGCAGAGGCTGGATTTGATGCGAGAGATGTATGATAGGGCAGGGGAGA[T>G]GGCCTCCAGTGCCCAAGACGAAAGCGAAACCACTGTGACTGGCAGCGATCCCTTCTATGA-3'
Protein context (NP_001352880.1, residues 852-872): MREMYDRAGE[Met862Arg]ASSAQDESET

ClinVar aggregate classification (germline): Uncertain significance (1 of 4 stars; one submission).

Submission:

Ambry Genetics
Classification: Uncertain significance. Last evaluated: 2026-08-16. Review status: criteria provided, single submitter. Criteria: Ambry Variant Classification Scheme 2023. Collection method: clinical testing. Allele origin: germline.
Comment: The p.M816R variant (also known as c.2447T>G), located in coding exon 23 of the KIF1B gene, results from a T to G substitution at nucleotide position 2447. The methionine at codon 816 is replaced by arginine, an amino acid with similar properties. This amino acid position is conserved. In addition, the in silico prediction for this alteration is inconclusive. Based on the available evidence, the clinical significance of this variant remains unclear.